The following is an entry in ClinVar:

NM_133379.5(TTN):c.16135C>T (p.Pro5379Ser)

Gene: TTN (titin; minus strand). Cytogenetic location: 2q31.2.
Variant type: single nucleotide variant.
Coding change: c.16135C>T on transcript NM_133379.5; coding-DNA position 16135, C replaced by T.
Protein change: p.Pro5379Ser; replaces proline 5379 with serine.
Molecular consequence: missense variant. On other transcripts: intron variant (6).
Genome position (GRCh38, 1-based): chr2:178,746,265, G>A on the plus strand (C>T on the coding strand, the complement: TTN is on the minus strand). VCF-style: chr2-178746265-G-A. GRCh37 (hg19) VCF-style: chr2-179610992-G-A.
Other names: c.10223-4344C>T (NM_003319.4); c.10799-4344C>T (NM_133437.4); c.10598-4344C>T (NM_133432.3); c.10360+6859C>T (NM_133378.4); c.10361-4344C>T (NM_001256850.1); c.11312-4344C>T (NM_001267550.2); short protein forms P5379S.
Identifiers: ClinVar variation 978754 (VCV000978754.4), dbSNP rs182516675, ClinGen allele CA2002993.

ClinVar aggregate classification (germline): Conflicting classifications of pathogenicity. Review status: criteria provided, conflicting classifications (1 of 4 stars). 4 submissions from 4 submitters: Uncertain significance (3); Likely benign (1). Last evaluated 2024-08-08.

Conditions:
Primary dilated cardiomyopathy (DCM). Also called: Dilated Cardiomyopathy. Identifiers: Orphanet 217604, MedGen C0007193, MeSH D002311, MONDO:0005021, HP:0001644. Inheritance: Various modes of inheritance.
TTN-related disorder. Also called: TTN-related disorders; TTN-related condition; TTN-related disease.
Hypertrophic cardiomyopathy 9. Also called: Familial hypertrophic cardiomyopathy 9. Identifiers: MedGen C1861065, MONDO:0013412, OMIM 613765.
Tibial muscular dystrophy (TMD). Also called: Tibial muscular dystrophy, tardive; Udd Distal Myopathy – Tibial Muscular Dystrophy; UDD MYOPATHY. Identifiers: Orphanet 609, MedGen C1838244, MONDO:0010870, OMIM 600334.
Myopathy, myofibrillar, 9, with early respiratory failure (MFM9). Also called: Myopathy, distal, with early respiratory failure, autosomal dominant; MYOPATHY, PROXIMAL, WITH EARLY RESPIRATORY MUSCLE INVOLVEMENT; EDSTROM MYOPATHY; Hereditary myopathy with early respiratory failure. Identifiers: Orphanet 178464, Orphanet 34521, MedGen C1863599, MONDO:0011362, OMIM 603689.
Autosomal recessive limb-girdle muscular dystrophy type 2J (LGMDR10). Also called: MUSCULAR DYSTROPHY, LIMB-GIRDLE, AUTOSOMAL RECESSIVE 10; Limb-girdle muscular dystrophy, type 2J. Identifiers: Orphanet 140922, MedGen C1837342, MONDO:0012127, OMIM 608807.
Early-onset myopathy with fatal cardiomyopathy (CMYO5). Also called: CONGENITAL MYOPATHY 5 WITH CARDIOMYOPATHY; Salih Myopathy. Identifiers: Orphanet 289377, MedGen C2673677, MONDO:0012714, OMIM 611705. Disease mechanism: loss of function.
Dilated cardiomyopathy 1G (CMD1G). Identifiers: Orphanet 154, MedGen C1858763, MONDO:0011400, OMIM 604145.

Allele frequency attached by ClinVar (database versions not stated): ExAC 0.00003; gnomAD exomes 0.00004 and 0.00005; TOPMed 0.00008; 1000 Genomes Project 0.00020; 1000 Genomes Project 30x 0.00031.
gnomAD v4.1: 77 of 1,612,160 alleles (0.0048%); highest among the groups gnomAD compares: East Asian, 0.036%; no homozygotes.

Submissions (4):

Blueprint Genetics
Classification: Likely benign. Last evaluated: 2024-08-08. Review status: criteria provided, single submitter. Criteria: ACMG Guidelines, 2015. Collection method: clinical testing. Allele origin: germline.

PreventionGenetics, part of Exact Sciences
Classification: Uncertain significance for TTN-related condition. Last evaluated: 2023-06-22. Review status: criteria provided, single submitter. Criteria: ACMG Guidelines, 2015. Collection method: clinical testing. Allele origin: germline.
Comment: The TTN c.16135C>T variant is predicted to result in the amino acid substitution p.Pro5379Ser. To our knowledge, this variant has not been reported in the literature. This variant is reported in 0.045% of alleles in individuals of East Asian descent in gnomAD. At this time, the clinical significance of this variant is uncertain due to the absence of conclusive functional and genetic evidence.

Fulgent Genetics
Classification: Uncertain significance for Tibial muscular dystrophy; Myopathy, myofibrillar, 9, with early respiratory failure; Dilated cardiomyopathy 1G; Autosomal recessive limb-girdle muscular dystrophy type 2J; Early-onset myopathy with fatal cardiomyopathy; Hypertrophic cardiomyopathy 9. Last evaluated: 2021-07-29. Review status: criteria provided, single submitter. Criteria: ACMG Guidelines, 2015. Collection method: clinical testing. Allele origin: unknown.

Genetics and Genomics Program, Sidra Medicine
Classification: Uncertain significance for Primary dilated cardiomyopathy. Review status: criteria provided, single submitter. Criteria: ACMG Guidelines, 2015. Collection method: research. Allele origin: unknown. Affected: yes. Observed: 1 variant allele.